The following is an entry in ClinVar:

ClinVar aggregate classification (germline): Uncertain significance (1 of 4 stars; one submission).

Conditions:
Gorlin syndrome. Also called: Basal cell nevus syndrome; Nevoid Basal Cell Carcinoma Syndrome. Identifiers: Orphanet 377, MedGen C0004779, MONDO:0007187.

gnomAD v4.1: 4 of 1,614,232 alleles (0.00025%); highest among the groups gnomAD compares: Middle Eastern, 0.016%; no homozygotes.

Submission:

Labcorp Genetics (formerly Invitae), Labcorp
Classification: Uncertain significance for Gorlin syndrome. Last evaluated: 2022-03-29. Review status: criteria provided, single submitter. Criteria: Invitae Variant Classification Sherloc (09022015). Collection method: clinical testing. Allele origin: germline.
Comment: Algorithms developed to predict the effect of missense changes on protein structure and function are either unavailable or do not agree on the potential impact of this missense change (SIFT: "Tolerated"; PolyPhen-2: "Probably Damaging"; Align-GVGD: "Class C0"). In summary, the available evidence is currently insufficient to determine the role of this variant in disease. Therefore, it has been classified as a Variant of Uncertain Significance. This variant has not been reported in the literature in individuals affected with PTCH2-related conditions. This variant is not present in population databases (gnomAD no frequency). This sequence change replaces glycine, which is neutral and non-polar, with arginine, which is basic and polar, at codon 105 of the PTCH2 protein (p.Gly105Arg).

NM_003738.5(PTCH2):c.313G>A (p.Gly105Arg)

Gene: PTCH2 (patched 2; minus strand). Cytogenetic location: 1p34.1.
Variant type: single nucleotide variant.
Coding change: c.313G>A on transcript NM_003738.5 (MANE Select); coding-DNA position 313, G replaced by A.
Protein change: p.Gly105Arg; replaces glycine 105 with arginine.
Molecular consequence: missense variant.
Genome position (GRCh38, 1-based): chr1:44,832,294, C>T on the plus strand (G>A on the coding strand, the complement: PTCH2 is on the minus strand). VCF-style: chr1-44832294-C-T. GRCh37 (hg19) VCF-style: chr1-45297966-C-T.
Other names: c.313G>A, p.Gly105Arg (NM_001166292.2); short protein forms G105R.
Identifiers: ClinVar variation 1930165 (VCV001930165.5), dbSNP rs1653492333, ClinGen allele CA340109628.